The following is an entry in ClinVar:

NM_001082486.2(ACD):c.953C>G (p.Ala318Gly)

Gene: ACD (ACD shelterin complex subunit and telomerase recruitment factor; minus strand). Cytogenetic location: 16q22.1.
Variant type: single nucleotide variant.
Coding change: c.953C>G on transcript NM_001082486.2 (MANE Select); coding-DNA position 953, C replaced by G.
Protein change: p.Ala318Gly; replaces alanine 318 with glycine.
Molecular consequence: missense variant.
Genome position (GRCh38, 1-based): chr16:67,658,239, G>C on the plus strand (C>G on the coding strand, the complement: ACD is on the minus strand). VCF-style: chr16-67658239-G-C. GRCh37 (hg19) VCF-style: chr16-67692142-G-C.
Other names: c.866C>G, p.Ala289Gly (NM_001410884.1); c.944C>G, p.Ala315Gly (NM_022914.3); short protein forms A318G, A289G, A315G.
Identifiers: ClinVar variation 3710566 (VCV003710566.2).

ClinVar aggregate classification (germline): Uncertain significance (1 of 4 stars; one submission).

Conditions:
Dyskeratosis congenita, autosomal dominant 6 (DKCA6). Identifiers: Orphanet 3322, MedGen C4225284, MONDO:0014690, OMIM 616553.

Submission:

Labcorp Genetics (formerly Invitae), Labcorp
Classification: Uncertain significance for Dyskeratosis congenita, autosomal dominant 6. Last evaluated: 2024-04-14. Review status: criteria provided, single submitter. Criteria: Invitae Variant Classification Sherloc (09022015). Collection method: clinical testing. Allele origin: germline.
Comment: This sequence change replaces alanine, which is neutral and non-polar, with glycine, which is neutral and non-polar, at codon 404 of the ACD protein (p.Ala404Gly). This variant is not present in population databases (gnomAD no frequency). This variant has not been reported in the literature in individuals affected with ACD-related conditions. Advanced modeling of protein sequence and biophysical properties (such as structural, functional, and spatial information, amino acid conservation, physicochemical variation, residue mobility, and thermodynamic stability) has been performed at Invitae for this missense variant, however the output from this modeling did not meet the statistical confidence thresholds required to predict the impact of this variant on ACD protein function. In summary, the available evidence is currently insufficient to determine the role of this variant in disease. Therefore, it has been classified as a Variant of Uncertain Significance.